The following is an entry in ClinVar:

NM_001142966.3(GREB1L):c.5280G>C (p.Glu1760Asp)

Gene: GREB1L (GREB1 like retinoic acid receptor coactivator; plus strand). Cytogenetic location: 18q11.2.
Variant type: single nucleotide variant.
Coding change: c.5280G>C on transcript NM_001142966.3 (MANE Select); coding-DNA position 5280, G replaced by C.
Protein change: p.Glu1760Asp; replaces glutamic acid 1760 with aspartic acid.
Molecular consequence: missense variant.
Genome position (GRCh38, 1-based): chr18:21,518,042, G>C. VCF-style: chr18-21518042-G-C. GRCh37 (hg19) VCF-style: chr18-19098003-G-C.
Other names: c.5280G>C (NM_001142966.1); c.5409G>C, p.Glu1803Asp (NM_001410867.1); c.4953G>C, p.Glu1651Asp (NM_001410868.1); short protein forms E1651D, E1760D, E1803D.
Identifiers: ClinVar variation 2582963 (VCV002582963.30), dbSNP rs151071927, ClinGen allele CA8906739.

ClinVar aggregate classification (germline): Benign/Likely benign. Review status: criteria provided, multiple submitters, no conflicts (2 of 4 stars). 4 submissions from 4 submitters: Benign (2); Likely benign (1). 1 of the submissions does not count toward it. Last evaluated 2025-10-21.

Conditions:
GREB1L-related disorder. Also called: GREB1L-related condition.

Allele frequency attached by ClinVar (database versions not stated): 1000 Genomes Project 30x 0.00094; ExAC 0.00107; 1000 Genomes Project 0.00120; ESP Exome Variant Server 0.00131; TOPMed 0.00140.
gnomAD v4.1: 4,266 of 1,551,242 alleles (0.28%); highest among the groups gnomAD compares: Non-Finnish European, 0.3%; 11 homozygotes.

Submissions (4):

Labcorp Genetics (formerly Invitae), Labcorp
Classification: Benign. Last evaluated: 2025-10-21. Review status: criteria provided, single submitter. Criteria: Invitae Variant Classification Sherloc (09022015). Collection method: clinical testing. Allele origin: germline.

CeGaT Center for Human Genetics Tuebingen
Classification: Benign. Last evaluated: 2025-08-01. Review status: criteria provided, single submitter. Criteria: CeGaT Center For Human Genetics Tuebingen Variant Classification Criteria Version 2. Collection method: clinical testing. Allele origin: germline. Affected: yes. Observed: 3 variant alleles.
Comment: GREB1L: BS1, BS2

Blueprint Genetics
Classification: Likely benign. Last evaluated: 2024-11-07. Review status: criteria provided, single submitter. Criteria: ACMG Guidelines, 2015. Collection method: clinical testing. Allele origin: germline.

PreventionGenetics, part of Exact Sciences
Classification: Benign for GREB1L-related condition. Last evaluated: 2020-06-09. Review status: no assertion criteria provided. Collection method: clinical testing. Allele origin: germline. Not counted in ClinVar's aggregate classification.
Comment: This variant is classified as benign based on ACMG/AMP sequence variant interpretation guidelines (Richards et al. 2015 PMID: 25741868, with internal and published modifications).